The following is an entry in ClinVar:

NM_001278716.2(FBXL4):c.1784G>C (p.Cys595Ser)

Gene: FBXL4 (F-box and leucine rich repeat protein 4; minus strand). Cytogenetic location: 6q16.1.
Variant type: single nucleotide variant.
Coding change: c.1784G>C on transcript NM_001278716.2 (MANE Select); coding-DNA position 1784, G replaced by C.
Protein change: p.Cys595Ser; replaces cysteine 595 with serine.
Molecular consequence: missense variant. On other transcripts: non-coding transcript variant (1).
Genome position (GRCh38, 1-based): chr6:98,874,360, C>G on the plus strand (G>C on the coding strand, the complement: FBXL4 is on the minus strand). VCF-style: chr6-98874360-C-G. GRCh37 (hg19) VCF-style: chr6-99322236-C-G.
Other names: c.1784G>C, p.Cys595Ser (NM_012160.5); short protein forms C595S.
Identifiers: ClinVar variation 1301609 (VCV001301609.10), dbSNP rs2128374842, ClinGen allele CA365084789.

ClinVar aggregate classification (germline): Uncertain significance. Review status: criteria provided, multiple submitters, no conflicts (2 of 4 stars). 2 submissions from 2 submitters: Uncertain significance (2). Last evaluated 2022-08-31.

Conditions:
Mitochondrial DNA depletion syndrome 13. Also called: FBXL4-Related Encephalomyopathic Mitochondrial DNA Depletion Syndrome; Mitochondrial DNA depletion syndrome 13 (encephalomyopathic type). Identifiers: Orphanet 369897, MedGen C3809592, MONDO:0014198, OMIM 615471.

Submissions (2):

Labcorp Genetics (formerly Invitae), Labcorp
Classification: Uncertain significance. Last evaluated: 2022-08-31. Review status: criteria provided, single submitter. Criteria: Invitae Variant Classification Sherloc (09022015). Collection method: clinical testing. Allele origin: germline.
Comment: This sequence change replaces cysteine, which is neutral and slightly polar, with serine, which is neutral and polar, at codon 595 of the FBXL4 protein (p.Cys595Ser). This variant is not present in population databases (gnomAD no frequency). This variant has not been reported in the literature in individuals affected with FBXL4-related conditions. ClinVar contains an entry for this variant (Variation ID: 1301609). Advanced modeling of protein sequence and biophysical properties (such as structural, functional, and spatial information, amino acid conservation, physicochemical variation, residue mobility, and thermodynamic stability) performed at Invitae indicates that this missense variant is expected to disrupt FBXL4 protein function. In summary, the available evidence is currently insufficient to determine the role of this variant in disease. Therefore, it has been classified as a Variant of Uncertain Significance.

Dubai Health Genomic Medicine Center, Dubai Health
Classification: Uncertain significance for Mitochondrial DNA depletion syndrome 13. Last evaluated: 2021-03-11. Review status: criteria provided, single submitter. Criteria: ACMG Guidelines, 2015. Collection method: clinical testing. Allele origin: germline. Affected: yes.